The following is an entry in ClinVar:

ClinVar aggregate classification (germline): Conflicting classifications of pathogenicity. Review status: criteria provided, conflicting classifications (1 of 4 stars). 2 submissions from 2 submitters: Uncertain significance (1); Likely benign (1). Last evaluated 2026-04-09.

Conditions:
Inborn genetic diseases. Identifiers: MedGen C0950123, MeSH D030342.
IFAP syndrome 2. Also called: ICHTHYOSIS FOLLICULARIS, ATRICHIA, AND PHOTOPHOBIA SYNDROME 2. Identifiers: MedGen C5436607, MONDO:0100221, OMIM 619016.

gnomAD v4.1: 4 of 1,594,182 alleles (0.00025%); highest among the groups gnomAD compares: South Asian, 0.0045%; no homozygotes.

Submissions (2):

Centre for Medical Genetics,  Mumbai
Classification: Likely benign for IFAP syndrome 2. Last evaluated: 2026-04-09. Review status: criteria provided, single submitter. Criteria: ACMG Guidelines, 2015. Collection method: provider interpretation. Allele origin: germline. Inheritance: Autosomal dominant inheritance. Affected: no. Observed: 1 variant allele, 1 heterozygote.
Comment: The variant satisfies PM2 criteria - extremely low frequency in gnomAD population databases. The variant satisfies BP4 criteria - for a missense or a splice region variant, computational prediction tools unanimously support a benign effect on the gene. However, the variant satisfies BS2 criteria - present in heterozygous state in an individual that clinically does not have Ichthyosis, follicular, with atrichia and photophobia syndrome.

Ambry Genetics
Classification: Uncertain significance for Inborn genetic diseases. Last evaluated: 2024-05-08. Review status: criteria provided, single submitter. Criteria: Ambry Variant Classification Scheme 2023. Collection method: clinical testing. Allele origin: germline.

Literature cited by the submitters: PubMed 32497488 (cited by Centre for Medical Genetics,  Mumbai).

NM_004176.5(SREBF1):c.1436G>C (p.Ser479Thr)

Gene: SREBF1 (sterol regulatory element binding transcription factor 1; minus strand). Cytogenetic location: 17p11.2.
Variant type: single nucleotide variant.
Coding change: c.1436G>C on transcript NM_004176.5 (MANE Select); coding-DNA position 1436, G replaced by C.
Protein change: p.Ser479Thr; replaces serine 479 with threonine.
Molecular consequence: missense variant. On other transcripts: non-coding transcript variant (4), intron variant (1).
Genome position (GRCh38, 1-based): chr17:17,817,426, C>G on the plus strand (G>C on the coding strand, the complement: SREBF1 is on the minus strand). VCF-style: chr17-17817426-C-G. GRCh37 (hg19) VCF-style: chr17-17720740-C-G.
Other names: c.1526G>C, p.Ser509Thr (NM_001005291.3); c.1364G>C, p.Ser455Thr (NM_001321096.3); c.1436G>C, p.Ser479Thr (NM_001388385.1, NM_001388386.1); c.1475G>C, p.Ser492Thr (NM_001388387.1); c.1391G>C, p.Ser464Thr (NM_001388388.1); c.1430G>C, p.Ser477Thr (NM_001388389.1); c.1418G>C, p.Ser473Thr (NM_001388390.1); c.1409G>C, p.Ser470Thr (NM_001388391.1); and 3 more; short protein forms S405T, S464T, S470T, S479T, S335T, S455T, S473T, S477T.
Identifiers: ClinVar variation 3322603 (VCV003322603.2).